The following is an entry in ClinVar:

ClinVar aggregate classification (germline): Benign. Review status: criteria provided, multiple submitters, no conflicts (2 of 4 stars). 3 submissions from 3 submitters: Benign (2). 1 of the submissions does not count toward it. Last evaluated 2025-12-25.

Conditions:
LHB-related disorder. Also called: LHB-related condition.

Allele frequency attached by ClinVar (database versions not stated): gnomAD exomes 0.00083 and 0.00227; ExAC 0.00272; gnomAD 0.00854 and 0.00910; TOPMed 0.00913; 1000 Genomes Project 0.00919; 1000 Genomes Project 30x 0.00968; ESP Exome Variant Server 0.00984.

Submissions (3):

Labcorp Genetics (formerly Invitae), Labcorp
Classification: Benign. Last evaluated: 2025-12-25. Review status: criteria provided, single submitter. Criteria: Invitae Variant Classification Sherloc (09022015). Collection method: clinical testing. Allele origin: germline.

Breakthrough Genomics
Classification: Benign. Review status: criteria provided, single submitter. Criteria: ACMG Guidelines, 2015. Collection method: not provided. Allele origin: germline. Inheritance: Autosomal recessive inheritance. Affected: yes.

PreventionGenetics, part of Exact Sciences
Classification: Likely benign for LHB-related condition. Last evaluated: 2019-03-11. Review status: no assertion criteria provided. Collection method: clinical testing. Allele origin: germline. Not counted in ClinVar's aggregate classification.
Comment: This variant is classified as likely benign based on ACMG/AMP sequence variant interpretation guidelines (Richards et al. 2015 PMID: 25741868, with internal and published modifications).

NM_000894.3(LHB):c.231C>T (p.Cys77=)

Gene: LHB (luteinizing hormone subunit beta; minus strand). Cytogenetic location: 19q13.33.
Variant type: single nucleotide variant.
Coding change: c.231C>T on transcript NM_000894.3 (MANE Select); coding-DNA position 231, C replaced by T.
Protein change: p.Cys77=; no amino-acid change (cysteine 77 retained).
Molecular consequence: synonymous variant.
Genome position (GRCh38, 1-based): chr19:49,016,263, G>A on the plus strand (C>T on the coding strand, the complement: LHB is on the minus strand). VCF-style: chr19-49016263-G-A. GRCh37 (hg19) VCF-style: chr19-49519520-G-A.
Identifiers: ClinVar variation 782654 (VCV000782654.13), dbSNP rs115897316, ClinGen allele CA9564323.